The following is an entry in ClinVar:

ClinVar aggregate classification (germline): Uncertain significance (1 of 4 stars; one submission).

Conditions:
Immunodeficiency 23 (IMD23). Also called: IMMUNODEFICIENCY WITH HYPER IgE AND COGNITIVE IMPAIRMENT; IMMUNODEFICIENCY-VASCULITIS-MYOCLONUS SYNDROME. Identifiers: Orphanet 443811, MedGen C4014371, MONDO:0014353, OMIM 615816.

Allele frequency attached by ClinVar (database versions not stated): TOPMed below 0.00001; ExAC 0.00001; gnomAD 0.00001; gnomAD exomes below 0.00001.
gnomAD v4.1: 2 of 1,613,740 alleles (0.00012%); highest among the groups gnomAD compares: Non-Finnish European, 0.00017%; no homozygotes.

Submission:

Labcorp Genetics (formerly Invitae), Labcorp
Classification: Uncertain significance for Immunodeficiency 23. Last evaluated: 2021-11-01. Review status: criteria provided, single submitter. Criteria: Invitae Variant Classification Sherloc (09022015). Collection method: clinical testing. Allele origin: germline.
Comment: Algorithms developed to predict the effect of missense changes on protein structure and function output the following: SIFT: "Tolerated"; PolyPhen-2: "Benign"; Align-GVGD: "Class C0". The methionine amino acid residue is found in multiple mammalian species, which suggests that this missense change does not adversely affect protein function. In summary, the available evidence is currently insufficient to determine the role of this variant in disease. Therefore, it has been classified as a Variant of Uncertain Significance. This variant has not been reported in the literature in individuals affected with PGM3-related conditions. This sequence change replaces valine, which is neutral and non-polar, with methionine, which is neutral and non-polar, at codon 220 of the PGM3 protein (p.Val220Met). This variant is present in population databases (rs778255624, gnomAD 0.0009%).

NM_015599.3(PGM3):c.574G>A (p.Val192Met)

Gene: PGM3 (phosphoglucomutase 3; minus strand). Cytogenetic location: 6q14.1.
Variant type: single nucleotide variant.
Coding change: c.574G>A on transcript NM_015599.3 (MANE Select); coding-DNA position 574, G replaced by A.
Protein change: p.Val192Met; replaces valine 192 with methionine.
Molecular consequence: missense variant. On other transcripts: non-coding transcript variant (1).
Genome position (GRCh38, 1-based): chr6:83,182,862, C>T on the plus strand (G>A on the coding strand, the complement: PGM3 is on the minus strand). VCF-style: chr6-83182862-C-T. GRCh37 (hg19) VCF-style: chr6-83892581-C-T.
Other names: c.658G>A, p.Val220Met (NM_001199917.2, NM_001367287.1); c.331G>A, p.Val111Met (NM_001199918.2); c.574G>A, p.Val192Met (NM_001199919.2, NM_001367286.1); short protein forms V192M, V111M, V220M.
Identifiers: ClinVar variation 1489923 (VCV001489923.5), dbSNP rs778255624, ClinGen allele CA3906722.